The following is an entry in ClinVar:

ClinVar aggregate classification (germline): Uncertain significance (1 of 4 stars; one submission).

Submission:

Labcorp Genetics (formerly Invitae), Labcorp
Classification: Uncertain significance. Last evaluated: 2024-10-28. Review status: criteria provided, single submitter. Criteria: Invitae Variant Classification Sherloc (09022015). Collection method: clinical testing. Allele origin: germline.
Comment: This sequence change replaces valine, which is neutral and non-polar, with isoleucine, which is neutral and non-polar, at codon 113 of the DEAF1 protein (p.Val113Ile). This variant is not present in population databases (gnomAD no frequency). This variant has not been reported in the literature in individuals affected with DEAF1-related conditions. Invitae Evidence Modeling of protein sequence and biophysical properties (such as structural, functional, and spatial information, amino acid conservation, physicochemical variation, residue mobility, and thermodynamic stability) indicates that this missense variant is expected to disrupt DEAF1 protein function with a positive predictive value of 95%. In summary, the available evidence is currently insufficient to determine the role of this variant in disease. Therefore, it has been classified as a Variant of Uncertain Significance.

NM_021008.4(DEAF1):c.337G>A (p.Val113Ile)

Gene: DEAF1 (DEAF1 transcription factor; minus strand). Cytogenetic location: 11p15.5.
Variant type: single nucleotide variant.
Coding change: c.337G>A on transcript NM_021008.4 (MANE Select); coding-DNA position 337, G replaced by A.
Protein change: p.Val113Ile; replaces valine 113 with isoleucine.
Molecular consequence: missense variant. On other transcripts: 5 prime UTR variant (1).
Genome position (GRCh38, 1-based): chr11:691,551, C>T on the plus strand (G>A on the coding strand, the complement: DEAF1 is on the minus strand). VCF-style: chr11-691551-C-T. GRCh37 (hg19) VCF-style: chr11-691551-C-T.
Other names: c.337G>A, p.Val113Ile (NM_001293634.2); c.-390G>A (NM_001367390.1); short protein forms V113I.
Identifiers: ClinVar variation 3657360 (VCV003657360.2).